The following is an entry in ClinVar:

ClinVar aggregate classification (germline): Likely pathogenic (1 of 4 stars; one submission).

Submission:

GeneDx
Classification: Likely pathogenic. Last evaluated: 2017-02-02. Review status: criteria provided, single submitter. Criteria: GeneDx Variant Classification (06012015). Collection method: clinical testing. Allele origin: germline. Affected: yes.
Comment: The c.97+1G>A variant in the NDUFA11 gene has not been reported previously as a pathogenic variant nor as a benign variant, to our knowledge. However, another splicing variant in this intron has been reported in 6 individuals with Complex 1 deficiency from 3 unrelated families; RNA studies of that c.97+5G>A variant revealed a truncated transcript lacking the last 26 residues of exon 1 due to the use of a cryptic splice site upstream of the natural splice donor site (Berger et al., 2008). The c.97+1G>A splice site variant destroys the canonical splice donor site in intron 1. It is predicted to cause abnormal gene splicing, either leading to an abnormal message that is subject to nonsense-mediated mRNA decay, or to an abnormal protein product if the message is used for protein translation. The c.97+1G>A variant was not observed in approximately 5300 individuals of European and African American ancestry in the NHLBI Exome Sequencing Project, indicating it is not a common benign variant in these populations. We interpret c.97+1G>A as a likely pathogenic variant.

NM_175614.5(NDUFA11):c.97+1G>A

Genes: NDUFA11 (NADH:ubiquinone oxidoreductase subunit A11; minus strand), LOC112552175 (Sharpr-MPRA regulatory region 9916; plus strand). Cytogenetic location: 19p13.3.
Variant type: single nucleotide variant.
Coding change: c.97+1G>A on transcript NM_175614.5 (MANE Select); the canonical splice donor site of the intron after coding-DNA position 97, G replaced by A.
Molecular consequence: splice donor variant.
Genome position (GRCh38, 1-based): chr19:5,903,611, C>T on the plus strand (G>A on the coding strand, the complement: NDUFA11 is on the minus strand). VCF-style: chr19-5903611-C-T. GRCh37 (hg19) VCF-style: chr19-5903622-C-T.
Other names: c.97+1G>A (NM_001193375.3).
Identifiers: ClinVar variation 393269 (VCV000393269.2), dbSNP rs1057524865, ClinGen allele CA16609030.